The following is an entry in ClinVar:

ClinVar aggregate classification (germline): Uncertain significance (1 of 4 stars; one submission).

Conditions:
Inborn genetic diseases. Identifiers: MedGen C0950123, MeSH D030342.

Submission:

Ambry Genetics
Classification: Uncertain significance for Inborn genetic diseases. Last evaluated: 2022-02-28. Review status: criteria provided, single submitter. Criteria: Ambry Variant Classification Scheme 2023. Collection method: clinical testing. Allele origin: germline.
Comment: The p.T2158A variant (also known as c.6472A>G), located in coding exon 43 of the DST gene, results from an A to G substitution at nucleotide position 6472. The threonine at codon 2158 is replaced by alanine, an amino acid with similar properties. This amino acid position is not well conserved in available vertebrate species, and alanine is the reference amino acid in other vertebrate species. In addition, this alteration is predicted to be tolerated by in silico analysis. Since supporting evidence is limited at this time, the clinical significance of this alteration remains unclear.

NM_001374736.1(DST):c.12829A>G (p.Thr4277Ala)

Gene: DST (dystonin; minus strand). Cytogenetic location: 6p12.1.
Variant type: single nucleotide variant.
Coding change: c.12829A>G on transcript NM_001374736.1 (MANE Select); coding-DNA position 12829, A replaced by G.
Protein change: p.Thr4277Ala; replaces threonine 4277 with alanine.
Molecular consequence: missense variant.
Genome position (GRCh38, 1-based): chr6:56,592,256, T>C on the plus strand (A>G on the coding strand, the complement: DST is on the minus strand). VCF-style: chr6-56592256-T-C. GRCh37 (hg19) VCF-style: chr6-56457054-T-C.
Other names: c.6472A>G, p.Thr2158Ala (NM_001144769.5); c.6058A>G, p.Thr2020Ala (NM_001144770.2); c.12829A>G, p.Thr4277Ala (NM_001374722.1); c.12196A>G, p.Thr4066Ala (NM_001374729.1); c.5938A>G, p.Thr1980Ala (NM_001374730.1, NM_001386100.1, NM_183380.4); c.12856A>G, p.Thr4286Ala (NM_001374734.1); c.4960A>G, p.Thr1654Ala (NM_015548.5); short protein forms T1980A, T1654A, T4277A, T4286A, T2020A, T2158A, T4066A.
Identifiers: ClinVar variation 1753719 (VCV001753719.2), dbSNP rs2536123281, ClinGen allele CA364524535.
Genomic context (GRCh38, chr6:56,592,256, plus strand): 5'-ATTGCCTTTGAAGATTTTTGGGGTCCACCGCAATAGGTTCAGATAAGTGTTTGCTCGCTG[T>C]GGCCTCACAGGCCTGGAGTCCAGCAAGAAGTCCACATGAAGCATCTTCATAGTGTTGATA-3'
Protein context (NP_001361665.1, residues 4267-4287): LLAGLQACEA[Thr4277Ala]ASKHLSEPIA